The following is an entry in ClinVar:

NM_001297.5(CNGB1):c.3073_3081dup (p.Gly1025_Val1027dup)

Gene: CNGB1 (cyclic nucleotide gated channel subunit beta 1; minus strand). Cytogenetic location: 16q21.
Variant type: Duplication.
Coding change: c.3073_3081dup on transcript NM_001297.5 (MANE Select); coding-DNA positions 3073 to 3081, 9 bases duplicated (GGATCTGTG; older notation c.3073_3081dupGGATCTGTG).
Protein change: p.Gly1025_Val1027dup.
Molecular consequence: inframe insertion.
Genome position (GRCh38, 1-based): chr16:57,897,810-57,897,818, CACAGATCC duplicated on the plus strand (GGATCTGTG on the coding strand, the reverse complement: CNGB1 is on the minus strand). VCF-style (leftmost placement, unchanged base first): chr16-57897809-A-ACACAGATCC. GRCh37 (hg19) VCF-style: chr16-57931713-A-ACACAGATCC.
Other names: c.3055_3063dup, p.Gly1019_Val1021dup (NM_001286130.2).
Identifiers: ClinVar variation 1060178 (VCV001060178.9), dbSNP rs2149355705, ClinGen allele CA495645226.
Genomic context (GRCh38, chr16:57,897,809, plus strand): 5'-CCCAGCCCTTGCCCCAGGCCCCTCACTTTACCCCAGCTGCGTCTGACCTTATTTCTCCAA[A>ACACAGATCC]CACAGATCCAGCTTTCAGCGTCACCAGCACAGATTTCCCATCAGGGCCGCCCAAGACCTG-3'

ClinVar aggregate classification (germline): Uncertain significance (1 of 4 stars; one submission).

Submission:

Labcorp Genetics (formerly Invitae), Labcorp
Classification: Uncertain significance. Last evaluated: 2020-03-20. Review status: criteria provided, single submitter. Criteria: Invitae Variant Classification Sherloc (09022015). Collection method: clinical testing. Allele origin: germline.
Comment: This variant, c.3073_3081dup, results in the insertion of 3 amino acid(s) to the CNGB1 protein (p.Gly1025_Val1027dup), but otherwise preserves the integrity of the reading frame. This variant is not present in population databases (ExAC no frequency). This variant has not been reported in the literature in individuals with CNGB1-related conditions. Experimental studies and prediction algorithms are not available or were not evaluated, and the functional significance of this variant is currently unknown. In summary, the available evidence is currently insufficient to determine the role of this variant in disease. Therefore, it has been classified as a Variant of Uncertain Significance.